The following is an entry in ClinVar:

NM_014975.3(MAST1):c.4067C>T (p.Ser1356Leu)

Gene: MAST1 (microtubule associated serine/threonine kinase 1; plus strand). Cytogenetic location: 19p13.13.
Variant type: single nucleotide variant.
Coding change: c.4067C>T on transcript NM_014975.3 (MANE Select); coding-DNA position 4067, C replaced by T.
Protein change: p.Ser1356Leu; replaces serine 1356 with leucine.
Molecular consequence: missense variant.
Genome position (GRCh38, 1-based): chr19:12,874,224, C>T. VCF-style: chr19-12874224-C-T. GRCh37 (hg19) VCF-style: chr19-12985038-C-T.
Other names: short protein forms S1356L.
Identifiers: ClinVar variation 2634145 (VCV002634145.1), dbSNP rs1970281228, ClinGen allele CA404289751.
Genomic context (GRCh38, chr19:12,874,224, plus strand): 5'-CACCTTTGAGCCTGGGCGCGGACCCGTTGCTGCCCGAGGGTGCCTCCAGGCCACCAGTGT[C>T]GAGCAAGGAGAAGGAATCCCCGGGGGGCGCCGAGGCGTGCACCCCACCCCGCGCGACGAC-3'
Protein context (NP_055790.1, residues 1346-1366): LPEGASRPPV[Ser1356Leu]SKEKESPGGA

ClinVar aggregate classification (germline): Uncertain significance (1 of 4 stars; one submission).

Conditions:
MAST1-related disorder. Also called: MAST1-related condition.

Allele frequency attached by ClinVar (database versions not stated): TOPMed below 0.00001.

Submission:

PreventionGenetics, part of Exact Sciences
Classification: Uncertain significance for MAST1-related condition. Last evaluated: 2022-08-18. Review status: criteria provided, single submitter. Criteria: ACMG Guidelines, 2015. Collection method: clinical testing. Allele origin: germline.
Comment: The MAST1 c.4067C>T variant is predicted to result in the amino acid substitution p.Ser1356Leu. To our knowledge, this variant has not been reported in the literature or in a large population database, indicating this variant is rare. At this time, the clinical significance of this variant is uncertain due to the absence of conclusive functional and genetic evidence.